The following is an entry in ClinVar:

ClinVar aggregate classification (germline): Pathogenic/Likely pathogenic. Review status: criteria provided, multiple submitters, no conflicts (2 of 4 stars). 2 submissions from 2 submitters: Pathogenic (1); Likely pathogenic (1). Last evaluated 2023-11-10.

Conditions:
Joubert syndrome. Also called: CEREBELLOPARENCHYMAL DISORDER IV; JOUBERT-BOLTSHAUSER SYNDROME; Familial aplasia of the vermis. Identifiers: Orphanet 475, MedGen C5979921, MONDO:0018772.
Meckel-Gruber syndrome. Also called: DYSENCEPHALIA SPLANCHNOCYSTICA; GRUBER SYNDROME; Dysencephalia splachnocystica. Identifiers: Orphanet 564, MedGen C0265215, MONDO:0018921.

Submissions (2):

Labcorp Genetics (formerly Invitae), Labcorp
Classification: Pathogenic for Joubert syndrome; Meckel-Gruber syndrome. Last evaluated: 2023-11-10. Review status: criteria provided, single submitter. Criteria: Invitae Variant Classification Sherloc (09022015). Collection method: clinical testing. Allele origin: germline.
Comment: This sequence change creates a premature translational stop signal (p.Gly657Cysfs*19) in the TMEM67 gene. It is expected to result in an absent or disrupted protein product. Loss-of-function variants in TMEM67 are known to be pathogenic (PMID: 20232449, 23559409). This variant is present in population databases (rs771421444, gnomAD 0.006%). This variant has not been reported in the literature in individuals affected with TMEM67-related conditions. For these reasons, this variant has been classified as Pathogenic.

Clinical Genetics Laboratory, Skane University Hospital Lund
Classification: Likely pathogenic. Last evaluated: 2022-05-27. Review status: criteria provided, single submitter. Criteria: ACMG Guidelines, 2015. Collection method: clinical testing. Allele origin: germline. Affected: yes.

Literature cited by the submitters: PubMed 20232449 (cited by Labcorp Genetics (formerly Invitae), Labcorp); PubMed 23559409 (cited by Labcorp Genetics (formerly Invitae), Labcorp).

NM_153704.6(TMEM67):c.1968_1969del (p.Gly657fs)

Gene: TMEM67 (transmembrane protein 67; plus strand). Cytogenetic location: 8q22.1.
Variant type: Deletion.
Coding change: c.1968_1969del on transcript NM_153704.6 (MANE Select); coding-DNA positions 1968 to 1969, 2 bases deleted (TG; older notation c.1968_1969delTG).
Protein change: p.Gly657fs; shifts the reading frame from glycine 657.
Molecular consequence: frameshift variant. On other transcripts: non-coding transcript variant (1).
Genome position (GRCh38, 1-based): chr8:93,797,338-93,797,339, TG deleted; deleting any 2 consecutive bases within chr8:93,797,337-93,797,339 gives the same sequence; the c. name uses the placement nearest the transcript's 3' end. VCF-style (leftmost placement, unchanged base first): chr8-93797336-GGT-G. GRCh37 (hg19) VCF-style: chr8-94809564-GGT-G.
Other names: c.1725_1726del, p.Gly576fs (NM_001142301.1); c.1968_1969delTG, p.Gly657Cysfs (NM_153704.5); c.1968_1969del (NM_153704.5); short protein forms G576fs, G657fs.
Identifiers: ClinVar variation 2926483 (VCV002926483.4), dbSNP rs771421444, ClinGen allele CA4808172.